The following is an entry in ClinVar:

ClinVar aggregate classification (germline): Uncertain significance (1 of 4 stars; one submission).

Allele frequency attached by ClinVar (database versions not stated): gnomAD exomes 0.00003.
gnomAD v4.1: 46 of 1,594,784 alleles (0.0029%); highest among the groups gnomAD compares: Non-Finnish European, 0.0039%; no homozygotes.

Submission:

Labcorp Genetics (formerly Invitae), Labcorp
Classification: Uncertain significance. Last evaluated: 2022-11-19. Review status: criteria provided, single submitter. Criteria: Invitae Variant Classification Sherloc (09022015). Collection method: clinical testing. Allele origin: germline.
Comment: Advanced modeling of protein sequence and biophysical properties (such as structural, functional, and spatial information, amino acid conservation, physicochemical variation, residue mobility, and thermodynamic stability) has been performed at Invitae for this missense variant, however the output from this modeling did not meet the statistical confidence thresholds required to predict the impact of this variant on CACNA1E protein function. This variant has not been reported in the literature in individuals affected with CACNA1E-related conditions. This variant is not present in population databases (gnomAD no frequency). This sequence change replaces serine, which is neutral and polar, with tyrosine, which is neutral and polar, at codon 2094 of the CACNA1E protein (p.Ser2094Tyr). In summary, the available evidence is currently insufficient to determine the role of this variant in disease. Therefore, it has been classified as a Variant of Uncertain Significance.

NM_001205293.3(CACNA1E):c.6410C>A (p.Ser2137Tyr)

Gene: CACNA1E (calcium voltage-gated channel subunit alpha1 E; plus strand). Cytogenetic location: 1q25.3.
Variant type: single nucleotide variant.
Coding change: c.6410C>A on transcript NM_001205293.3 (MANE Select); coding-DNA position 6410, C replaced by A.
Protein change: p.Ser2137Tyr; replaces serine 2137 with tyrosine.
Molecular consequence: missense variant.
Genome position (GRCh38, 1-based): chr1:181,798,302, C>A. VCF-style: chr1-181798302-C-A. GRCh37 (hg19) VCF-style: chr1-181767438-C-A.
Other names: c.6281C>A, p.Ser2094Tyr (NM_000721.4); c.6224C>A, p.Ser2075Tyr (NM_001205294.2); short protein forms S2075Y, S2137Y, S2094Y.
Identifiers: ClinVar variation 2894605 (VCV002894605.3), dbSNP rs1661985958, ClinGen allele CA343844743.
Genomic context (GRCh38, chr1:181,798,302, plus strand): 5'-GGGATCATGCCAAGCCCAATCTAACATGCCATGTCTCTCCTGCTATACAGGGCACAGGTT[C>A]CCTAAGTGAGAGCTCCATCCCCTCTGTCTCTGACACCAGCACCCCAAGAAGAAGTCGTCG-3'
Protein context (NP_001192222.1, residues 2127-2147): SQTPNRQGTG[Ser2137Tyr]LSESSIPSVS